The following is an entry in ClinVar:

NM_000111.3(SLC26A3):c.513C>A (p.Asp171Glu)

Gene: SLC26A3 (solute carrier family 26 member 3; minus strand). Cytogenetic location: 7q22.3.
Variant type: single nucleotide variant.
Coding change: c.513C>A on transcript NM_000111.3 (MANE Select); coding-DNA position 513, C replaced by A.
Protein change: p.Asp171Glu; replaces aspartic acid 171 with glutamic acid.
Molecular consequence: missense variant.
Genome position (GRCh38, 1-based): chr7:107,791,105, G>T on the plus strand (C>A on the coding strand, the complement: SLC26A3 is on the minus strand). VCF-style: chr7-107791105-G-T. GRCh37 (hg19) VCF-style: chr7-107431550-G-T.
Other names: short protein forms D171E.
Identifiers: ClinVar variation 2087045 (VCV002087045.4), dbSNP rs367588993, ClinGen allele CA368853535.

ClinVar aggregate classification (germline): Uncertain significance (1 of 4 stars; one submission).

gnomAD v4.1: 2 of 1,614,122 alleles (0.00012%); highest among the groups gnomAD compares: African/African-American, 0.0027%; no homozygotes.

Submission:

Labcorp Genetics (formerly Invitae), Labcorp
Classification: Uncertain significance. Last evaluated: 2024-10-01. Review status: criteria provided, single submitter. Criteria: Invitae Variant Classification Sherloc (09022015). Collection method: clinical testing. Allele origin: germline.
Comment: This sequence change replaces aspartic acid, which is acidic and polar, with glutamic acid, which is acidic and polar, at codon 171 of the SLC26A3 protein (p.Asp171Glu). This variant is not present in population databases (gnomAD no frequency). This variant has not been reported in the literature in individuals affected with SLC26A3-related conditions. ClinVar contains an entry for this variant (Variation ID: 2087045). Invitae Evidence Modeling of protein sequence and biophysical properties (such as structural, functional, and spatial information, amino acid conservation, physicochemical variation, residue mobility, and thermodynamic stability) indicates that this missense variant is not expected to disrupt SLC26A3 protein function with a negative predictive value of 80%. In summary, the available evidence is currently insufficient to determine the role of this variant in disease. Therefore, it has been classified as a Variant of Uncertain Significance.